The following is an entry in ClinVar:

NM_032229.3(SLITRK6):c.1751T>C (p.Val584Ala)

Gene: SLITRK6 (SLIT and NTRK like family member 6; minus strand). Cytogenetic location: 13q31.1.
Variant type: single nucleotide variant.
Coding change: c.1751T>C on transcript NM_032229.3 (MANE Select); coding-DNA position 1751, T replaced by C.
Protein change: p.Val584Ala; replaces valine 584 with alanine.
Molecular consequence: missense variant.
Genome position (GRCh38, 1-based): chr13:85,794,758, A>G on the plus strand (T>C on the coding strand, the complement: SLITRK6 is on the minus strand). VCF-style: chr13-85794758-A-G. GRCh37 (hg19) VCF-style: chr13-86368893-A-G.
Other names: c.1751T>C (NM_032229.2); short protein forms V584A.
Identifiers: ClinVar variation 1367369 (VCV001367369.7), dbSNP rs1031813352, ClinGen allele CA253124906.
Genomic context (GRCh38, chr13:85,794,758, plus strand): 5'-GCGTCCGTAAGAGATCGTAAAATAGTATCAGCCGTATTTGTTGTTGTTGCAGGAGTGGTG[A>G]CCATAAGGTAACTAGTCTGTGTTGGCATGGATGGGTTATTTACTAAACCTGGACAGAGAA-3'
Protein context (NP_115605.2, residues 574-594): SMPTQTSYLM[Val584Ala]TTPATTTNTA

ClinVar aggregate classification (germline): Uncertain significance. Review status: criteria provided, multiple submitters, no conflicts (2 of 4 stars). 4 submissions from 4 submitters: Uncertain significance (4). Last evaluated 2025-11-10.

Conditions:
SLITRK6-related disorder. Also called: SLITRK6-related condition.
Inborn genetic diseases. Identifiers: MedGen C0950123, MeSH D030342.

Allele frequency attached by ClinVar (database versions not stated): gnomAD 0.00010 and 0.00012; TOPMed 0.00025.

Submissions (4):

PreventionGenetics, part of Exact Sciences
Classification: Uncertain significance for SLITRK6-related condition. Last evaluated: 2025-11-10. Review status: criteria provided, single submitter. Criteria: ACMG Guidelines, 2015. Collection method: clinical testing. Allele origin: germline.
Comment: The SLITRK6 c.1751T>C variant is predicted to result in the amino acid substitution p.Val584Ala. To our knowledge, this variant has not been reported in the literature. This variant is reported in 0.011% of alleles in individuals of Latino descent in gnomAD. At this time, the clinical significance of this variant is uncertain due to the absence of conclusive functional and genetic evidence.

Ambry Genetics
Classification: Uncertain significance for Inborn genetic diseases. Last evaluated: 2025-11-08. Review status: criteria provided, single submitter. Criteria: Ambry Variant Classification Scheme 2023. Collection method: clinical testing. Allele origin: germline.

GeneDx
Classification: Uncertain significance. Last evaluated: 2024-04-19. Review status: criteria provided, single submitter. Criteria: GeneDx Variant Classification Process June 2021. Collection method: clinical testing. Allele origin: germline. Affected: yes.
Comment: In silico analysis indicates that this missense variant does not alter protein structure/function; Has not been previously published as pathogenic or benign to our knowledge

Labcorp Genetics (formerly Invitae), Labcorp
Classification: Uncertain significance. Last evaluated: 2022-06-27. Review status: criteria provided, single submitter. Criteria: Invitae Variant Classification Sherloc (09022015). Collection method: clinical testing. Allele origin: germline.
Comment: This sequence change replaces valine, which is neutral and non-polar, with alanine, which is neutral and non-polar, at codon 584 of the SLITRK6 protein (p.Val584Ala). This variant is present in population databases (no rsID available, gnomAD 0.01%). This variant has not been reported in the literature in individuals affected with SLITRK6-related conditions. Algorithms developed to predict the effect of missense changes on protein structure and function (SIFT, PolyPhen-2, Align-GVGD) all suggest that this variant is likely to be tolerated. In summary, the available evidence is currently insufficient to determine the role of this variant in disease. Therefore, it has been classified as a Variant of Uncertain Significance.